The following is an entry in ClinVar:

NM_001609.4(ACADSB):c.439A>T (p.Asn147Tyr)

Gene: ACADSB (acyl-CoA dehydrogenase short/branched chain; plus strand). Cytogenetic location: 10q26.13.
Variant type: single nucleotide variant.
Coding change: c.439A>T on transcript NM_001609.4 (MANE Select); coding-DNA position 439, A replaced by T.
Protein change: p.Asn147Tyr; replaces asparagine 147 with tyrosine.
Molecular consequence: missense variant.
Genome position (GRCh38, 1-based): chr10:123,040,601, A>T. VCF-style: chr10-123040601-A-T. GRCh37 (hg19) VCF-style: chr10-124800117-A-T.
Other names: c.133A>T, p.Asn45Tyr (NM_001330174.3); short protein forms N45Y, N147Y.
Identifiers: ClinVar variation 1521392 (VCV001521392.7), dbSNP rs747291865, ClinGen allele CA5730709.

ClinVar aggregate classification (germline): Conflicting classifications of pathogenicity. Review status: criteria provided, conflicting classifications (1 of 4 stars). 3 submissions from 3 submitters: Pathogenic (1); Likely pathogenic (1); Uncertain significance (1). Last evaluated 2026-01-12.

Conditions:
ACADSB-related disorder. Also called: ACADSB-related condition.
Deficiency of 2-methylbutyryl-CoA dehydrogenase (ACADSB). Also called: 2-methylbutyrylglycinuria; 2-methylbutyryl-CoA dehydrogenase deficiency; SBCAD deficiency; 2-methylbutyric aciduria; Short branched-chain acyl-CoA dehydrogenase deficiency. Identifiers: Orphanet 79157, MedGen C1864912, MONDO:0012392, OMIM 610006, HP:0020147.

Allele frequency attached by ClinVar (database versions not stated): gnomAD 0.00005 and 0.00006; gnomAD exomes 0.00006 and 0.00008; TOPMed 0.00006; ExAC 0.00007.
gnomAD v4.1: 102 of 1,614,020 alleles (0.0063%); highest among the groups gnomAD compares: Middle Eastern, 0.033%; no homozygotes.

Submissions (3):

Labcorp Genetics (formerly Invitae), Labcorp
Classification: Pathogenic for Deficiency of 2-methylbutyryl-CoA dehydrogenase. Last evaluated: 2026-01-12. Review status: criteria provided, single submitter. Criteria: Invitae Variant Classification Sherloc (09022015). Collection method: clinical testing. Allele origin: germline.
Comment: This sequence change replaces asparagine, which is neutral and polar, with tyrosine, which is neutral and polar, at codon 147 of the ACADSB protein (p.Asn147Tyr). This variant is present in population databases (rs747291865, gnomAD 0.02%). This missense change has been observed in individual(s) with short/branched-chain acyl-CoA dehydrogenase deficiency (PMID: 36147814). In at least one individual the data is consistent with being in trans (on the opposite chromosome) from a pathogenic variant. ClinVar contains an entry for this variant (Variation ID: 1521392). Invitae Evidence Modeling of protein sequence and biophysical properties (such as structural, functional, and spatial information, amino acid conservation, physicochemical variation, residue mobility, and thermodynamic stability) indicates that this missense variant is expected to disrupt ACADSB protein function with a positive predictive value of 95%. For these reasons, this variant has been classified as Pathogenic.

Blueprint Genetics
Classification: Likely pathogenic for ACADSB-related disorders. Last evaluated: 2023-11-16. Review status: criteria provided, single submitter. Criteria: ACMG Guidelines, 2015. Collection method: clinical testing. Allele origin: germline. Affected: yes. Observed: 5 variant alleles.

Breakthrough Genomics
Classification: Uncertain significance. Review status: criteria provided, single submitter. Criteria: ACMG Guidelines, 2015. Collection method: not provided. Allele origin: germline. Inheritance: Autosomal recessive inheritance. Affected: yes.

Literature cited by the submitters: PubMed 36147814 (cited by Labcorp Genetics (formerly Invitae), Labcorp).